The following is an entry in ClinVar:

NM_001792.5(CDH2):c.191A>G (p.Asn64Ser)

Gene: CDH2 (cadherin 2; minus strand). Cytogenetic location: 18q12.1.
Variant type: single nucleotide variant.
Coding change: c.191A>G on transcript NM_001792.5 (MANE Select); coding-DNA position 191, A replaced by G.
Protein change: p.Asn64Ser; replaces asparagine 64 with serine.
Molecular consequence: missense variant.
Genome position (GRCh38, 1-based): chr18:28,013,891, T>C on the plus strand (A>G on the coding strand, the complement: CDH2 is on the minus strand). VCF-style: chr18-28013891-T-C. GRCh37 (hg19) VCF-style: chr18-25593855-T-C.
Other names: c.98A>G, p.Asn33Ser (NM_001308176.2); short protein forms N33S, N64S.
Identifiers: ClinVar variation 1782628 (VCV001782628.4), dbSNP rs779271742, ClinGen allele CA8923754.

ClinVar aggregate classification (germline): Uncertain significance. Review status: criteria provided, multiple submitters, no conflicts (2 of 4 stars). 2 submissions from 2 submitters: Uncertain significance (2). Last evaluated 2024-11-03.

Conditions:
Inborn genetic diseases. Identifiers: MedGen C0950123, MeSH D030342.

Allele frequency attached by ClinVar (database versions not stated): ExAC 0.00001; gnomAD 0.00001; gnomAD exomes 0.00001.
gnomAD v4.1: 10 of 1,612,426 alleles (0.00062%); highest among the groups gnomAD compares: East Asian, 0.0022%; no homozygotes.

Submissions (2):

Labcorp Genetics (formerly Invitae), Labcorp
Classification: Uncertain significance. Last evaluated: 2024-11-03. Review status: criteria provided, single submitter. Criteria: Invitae Variant Classification Sherloc (09022015). Collection method: clinical testing. Allele origin: germline.
Comment: This sequence change replaces asparagine, which is neutral and polar, with serine, which is neutral and polar, at codon 64 of the CDH2 protein (p.Asn64Ser). This variant is present in population databases (rs779271742, gnomAD 0.0009%). This variant has not been reported in the literature in individuals affected with CDH2-related conditions. ClinVar contains an entry for this variant (Variation ID: 1782628). An algorithm developed to predict the effect of missense changes on protein structure and function (PolyPhen-2) suggests that this variant is likely to be tolerated. In summary, the available evidence is currently insufficient to determine the role of this variant in disease. Therefore, it has been classified as a Variant of Uncertain Significance.

Ambry Genetics
Classification: Uncertain significance for Inborn genetic diseases. Last evaluated: 2022-04-03. Review status: criteria provided, single submitter. Criteria: Ambry Variant Classification Scheme 2023. Collection method: clinical testing. Allele origin: germline.
Comment: The p.N64S variant (also known as c.191A>G), located in coding exon 3 of the CDH2 gene, results from an A to G substitution at nucleotide position 191. The asparagine at codon 64 is replaced by serine, an amino acid with highly similar properties. This amino acid position is conserved. In addition, this alteration is predicted to be tolerated by in silico analysis. Since supporting evidence is limited at this time, the clinical significance of this alteration remains unclear.